The following is an entry in ClinVar:

ClinVar aggregate classification (germline): Uncertain significance (1 of 4 stars; one submission).

Allele frequency attached by ClinVar (database versions not stated): gnomAD exomes below 0.00001.
gnomAD v4.1: 3 of 1,612,526 alleles (0.00019%); highest among the groups gnomAD compares: East Asian, 0.0022%; no homozygotes.

Submission:

Labcorp Genetics (formerly Invitae), Labcorp
Classification: Uncertain significance. Last evaluated: 2021-08-30. Review status: criteria provided, single submitter. Criteria: Invitae Variant Classification Sherloc (09022015). Collection method: clinical testing. Allele origin: germline.
Comment: This sequence change replaces asparagine with serine at codon 129 of the ZCCHC8 protein (p.Asn129Ser). The asparagine residue is moderately conserved and there is a small physicochemical difference between asparagine and serine. This variant is not present in population databases (ExAC no frequency). This variant has not been reported in the literature in individuals affected with ZCCHC8-related conditions. Algorithms developed to predict the effect of missense changes on protein structure and function are either unavailable or do not agree on the potential impact of this missense change (SIFT: "Tolerated"; PolyPhen-2: "Not Available"; Align-GVGD: "Class C0"). In summary, the available evidence is currently insufficient to determine the role of this variant in disease. Therefore, it has been classified as a Variant of Uncertain Significance.

NM_017612.5(ZCCHC8):c.386A>G (p.Asn129Ser)

Gene: ZCCHC8 (zinc finger CCHC-type containing 8; minus strand). Cytogenetic location: 12q24.31.
Variant type: single nucleotide variant.
Coding change: c.386A>G on transcript NM_017612.5 (MANE Select); coding-DNA position 386, A replaced by G.
Protein change: p.Asn129Ser; replaces asparagine 129 with serine.
Molecular consequence: missense variant. On other transcripts: 5 prime UTR variant (1), intron variant (1).
Genome position (GRCh38, 1-based): chr12:122,490,499, T>C on the plus strand (A>G on the coding strand, the complement: ZCCHC8 is on the minus strand). VCF-style: chr12-122490499-T-C. GRCh37 (hg19) VCF-style: chr12-122975046-T-C.
Other names: c.386A>G, p.Asn129Ser (NM_001350935.2); c.89A>G, p.Asn30Ser (NM_001350936.2); c.-159A>G (NM_001350937.2); c.-121-1036A>G (NM_001350938.2); short protein forms N30S, N129S.
Identifiers: ClinVar variation 1925618 (VCV001925618.2), dbSNP rs1189345673, ClinGen allele CA482209207.